The following is an entry in ClinVar:

NM_006214.4(PHYH):c.415-74C>T

Gene: PHYH (phytanoyl-CoA 2-hydroxylase; minus strand). Cytogenetic location: 10p13.
Variant type: single nucleotide variant.
Coding change: c.415-74C>T on transcript NM_006214.4 (MANE Select); 74 bases into the intron before coding-DNA position 415, C replaced by T.
Molecular consequence: intron variant.
Genome position (GRCh38, 1-based): chr10:13,291,986, G>A on the plus strand (C>T on the coding strand, the complement: PHYH is on the minus strand). VCF-style: chr10-13291986-G-A. GRCh37 (hg19) VCF-style: chr10-13333986-G-A.
Other names: c.414+2442C>T (NM_001323083.2); c.415-74C>T (NM_001323082.2); c.115-74C>T (NM_001037537.2, NM_001323084.2, NM_001323080.2).
Identifiers: ClinVar variation 4813936 (VCV004813936.1).
Genomic context (GRCh38, chr10:13,291,986, plus strand): 5'-AAAAAAACAAAAACAAACCTTGTGGGAAATCAGAAGTATTGACAACTGGTACAAAGTACA[G>A]TAGCTATCCACACAAGAACCAAGAAGGCAATAGTTTAAGAACCAAGCGGTATTTCACAAC-3'

ClinVar aggregate classification (germline): Likely benign (1 of 4 stars; one submission).

Submission:

GeneDx
Classification: Likely benign. Last evaluated: 2020-02-01. Review status: criteria provided, single submitter. Criteria: GeneDx Variant Classification Process June 2021. Collection method: clinical testing. Allele origin: germline. Affected: yes.
Comment: See Variant Classification Assertion Criteria.